The following is an entry in ClinVar:

ClinVar aggregate classification (germline): Likely pathogenic. Review status: criteria provided, multiple submitters, no conflicts (2 of 4 stars). 2 submissions from 2 submitters: Likely pathogenic (2). Last evaluated 2026-06-18.

Allele frequency attached by ClinVar (database versions not stated): gnomAD exomes 0.00001.

Submissions (2):

GeneDx
Classification: Likely pathogenic. Last evaluated: 2026-06-18. Review status: criteria provided, single submitter. Criteria: GeneDx Variant Classification Process June 2021. Collection method: clinical testing. Allele origin: germline.
Comment: Reported as one of the most common disease alleles among individuals of Old Order Mennonites of Lancaster County, Pennsylvania (PMID: 34532947); Not observed at significant frequency in large population cohorts (gnomAD); In silico analysis supports that this missense variant has a deleterious effect on protein structure/function; This variant is associated with the following publications: (PMID: 34532947)

Labcorp Genetics (formerly Invitae), Labcorp
Classification: Likely pathogenic. Last evaluated: 2023-12-12. Review status: criteria provided, single submitter. Criteria: Invitae Variant Classification Sherloc (09022015). Collection method: clinical testing. Allele origin: germline.
Comment: This sequence change replaces proline, which is neutral and non-polar, with leucine, which is neutral and non-polar, at codon 407 of the TSEN54 protein (p.Pro407Leu). This variant is not present in population databases (gnomAD no frequency). This missense change has been observed in individual(s) with pontocerebellar hypoplasia (Invitae). In at least one individual the data is consistent with being in trans (on the opposite chromosome) from a pathogenic variant. ClinVar contains an entry for this variant (Variation ID: 1403387). Advanced modeling of protein sequence and biophysical properties (such as structural, functional, and spatial information, amino acid conservation, physicochemical variation, residue mobility, and thermodynamic stability) has been performed at Invitae for this missense variant, however the output from this modeling did not meet the statistical confidence thresholds required to predict the impact of this variant on TSEN54 protein function. In summary, the currently available evidence indicates that the variant is pathogenic, but additional data are needed to prove that conclusively. Therefore, this variant has been classified as Likely Pathogenic.

NM_207346.3(TSEN54):c.1220C>T (p.Pro407Leu)

Gene: TSEN54 (tRNA splicing endonuclease subunit 54; plus strand). Cytogenetic location: 17q25.1.
Variant type: single nucleotide variant.
Coding change: c.1220C>T on transcript NM_207346.3 (MANE Select); coding-DNA position 1220, C replaced by T.
Protein change: p.Pro407Leu; replaces proline 407 with leucine.
Molecular consequence: missense variant.
Genome position (GRCh38, 1-based): chr17:75,522,301, C>T. VCF-style: chr17-75522301-C-T. GRCh37 (hg19) VCF-style: chr17-73518382-C-T.
Other names: c.1220C>T (NM_207346.2); short protein forms P407L.
Identifiers: ClinVar variation 1403387 (VCV001403387.9), dbSNP rs958213919, ClinGen allele CA294079734.